The following is an entry in ClinVar:

NM_173630.4(RTTN):c.4909C>T (p.Arg1637Ter)

Gene: RTTN (rotatin; minus strand). Cytogenetic location: 18q22.2.
Variant type: single nucleotide variant.
Coding change: c.4909C>T on transcript NM_173630.4 (MANE Select); coding-DNA position 4909, C replaced by T.
Protein change: p.Arg1637Ter; replaces arginine 1637 with a stop codon.
Molecular consequence: nonsense.
Genome position (GRCh38, 1-based): chr18:70,059,881, G>A on the plus strand (C>T on the coding strand, the complement: RTTN is on the minus strand). VCF-style: chr18-70059881-G-A. GRCh37 (hg19) VCF-style: chr18-67727117-G-A.
Other names: c.2173C>T, p.Arg725Ter (NM_001318520.2); short protein forms R1637*, R725*.
Identifiers: ClinVar variation 3606782 (VCV003606782.2).

ClinVar aggregate classification (germline): Pathogenic (1 of 4 stars; one submission).

gnomAD v4.1: 7 of 1,610,230 alleles (0.00043%); highest among the groups gnomAD compares: Admixed American, 0.0017%; no homozygotes.

Submission:

Labcorp Genetics (formerly Invitae), Labcorp
Classification: Pathogenic. Last evaluated: 2024-11-19. Review status: criteria provided, single submitter. Criteria: Invitae Variant Classification Sherloc (09022015). Collection method: clinical testing. Allele origin: germline.
Comment: This sequence change creates a premature translational stop signal (p.Arg1637*) in the RTTN gene. It is expected to result in an absent or disrupted protein product. Loss-of-function variants in RTTN are known to be pathogenic (PMID: 26608784, 26846091). This variant is present in population databases (rs765906120, gnomAD 0.003%). This variant has not been reported in the literature in individuals affected with RTTN-related conditions. For these reasons, this variant has been classified as Pathogenic.

Literature cited by the submitters: PubMed 26608784; PubMed 26846091.